The following is an entry in ClinVar:

ClinVar aggregate classification (germline): Uncertain significance. Review status: criteria provided, multiple submitters, no conflicts (2 of 4 stars). 2 submissions from 2 submitters: Uncertain significance (2). Last evaluated 2023-09-28.

Conditions:
Idiopathic generalized epilepsy. Also called: Generalised epilepsy; EIG. Identifiers: MedGen C0270850, MONDO:0005579, OMIM 600669.
Hyperaldosteronism, familial, type IV (HALD4). Also called: FH IV; ALDOSTERONISM, PRIMARY, AND HYPERTENSION. Identifiers: Orphanet 642671, MedGen C4310756, MONDO:0014875, OMIM 617027.

Allele frequency attached by ClinVar (database versions not stated): gnomAD exomes 0.00001.
gnomAD v4.1: 40 of 1,604,672 alleles (0.0025%); highest among the groups gnomAD compares: Admixed American, 0.0033%; no homozygotes.

Submissions (2):

ARUP Laboratories, Molecular Genetics and Genomics, ARUP Laboratories
Classification: Uncertain significance. Last evaluated: 2023-09-28. Review status: criteria provided, single submitter. Criteria: ARUP Molecular Germline Variant Investigation Process 2024. Collection method: clinical testing. Allele origin: germline.

Labcorp Genetics (formerly Invitae), Labcorp
Classification: Uncertain significance for Idiopathic generalized epilepsy; Hyperaldosteronism, familial, type IV. Last evaluated: 2023-02-04. Review status: criteria provided, single submitter. Criteria: Invitae Variant Classification Sherloc (09022015). Collection method: clinical testing. Allele origin: germline.
Comment: Advanced modeling of protein sequence and biophysical properties (such as structural, functional, and spatial information, amino acid conservation, physicochemical variation, residue mobility, and thermodynamic stability) performed at Invitae indicates that this missense variant is not expected to disrupt CACNA1H protein function. In summary, the available evidence is currently insufficient to determine the role of this variant in disease. Therefore, it has been classified as a Variant of Uncertain Significance. ClinVar contains an entry for this variant (Variation ID: 1488617). This variant has not been reported in the literature in individuals affected with CACNA1H-related conditions. This variant is present in population databases (no rsID available, gnomAD 0.003%). This sequence change replaces serine, which is neutral and polar, with arginine, which is basic and polar, at codon 1363 of the CACNA1H protein (p.Ser1363Arg).

NM_021098.3(CACNA1H):c.4089C>G (p.Ser1363Arg)

Gene: CACNA1H (calcium voltage-gated channel subunit alpha1 H; plus strand). Cytogenetic location: 16p13.3.
Variant type: single nucleotide variant.
Coding change: c.4089C>G on transcript NM_021098.3 (MANE Select); coding-DNA position 4089, C replaced by G.
Protein change: p.Ser1363Arg; replaces serine 1363 with arginine.
Molecular consequence: missense variant.
Genome position (GRCh38, 1-based): chr16:1,210,837, C>G. VCF-style: chr16-1210837-C-G. GRCh37 (hg19) VCF-style: chr16-1260837-C-G.
Other names: c.4089C>G, p.Ser1363Arg (NM_001005407.2); short protein forms S1363R.
Identifiers: ClinVar variation 1488617 (VCV001488617.9), dbSNP rs867556563, ClinGen allele CA394177787.